The following is an entry in ClinVar:

NM_018051.5(DYNC2I1):c.553A>G (p.Arg185Gly)

Gene: DYNC2I1 (dynein 2 intermediate chain 1; plus strand). Cytogenetic location: 7q36.3.
Variant type: single nucleotide variant.
Coding change: c.553A>G on transcript NM_018051.5 (MANE Select); coding-DNA position 553, A replaced by G.
Protein change: p.Arg185Gly; replaces arginine 185 with glycine.
Molecular consequence: missense variant. On other transcripts: 5 prime UTR variant (3), synonymous variant (1).
Genome position (GRCh38, 1-based): chr7:158,876,671, A>G. VCF-style: chr7-158876671-A-G. GRCh37 (hg19) VCF-style: chr7-158669362-A-G.
Other names: c.-806A>G (NM_001350916.2); c.-814A>G (NM_001350917.2); c.-933A>G (NM_001350918.2); c.415A>G, p.Arg139Gly (NM_001350914.2); c.36A>G, p.Lys12= (NM_001350915.2); short protein forms R139G, R185G.
Identifiers: ClinVar variation 3639107 (VCV003639107.2).
Genomic context (GRCh38, chr7:158,876,671, plus strand): 5'-AGTAAAGTAAGAAGTGAAGAGAAAGATGAAGACTCTGAAAGAGGAGATGAAGATAGAGAA[A>G]GAAGATACCGAGAAAGAAAGGTATACGAAGCAAGGCCTGGGGAAAAGTTTTCCAAATGTT-3'
Protein context (NP_060521.4, residues 175-195): DSERGDEDRE[Arg185Gly]RYRERKLQYG

ClinVar aggregate classification (germline): Uncertain significance (1 of 4 stars; one submission).

Conditions:
Short-rib thoracic dysplasia 8 with or without polydactyly (SRTD8). Also called: SHORT-RIB THORACIC DYSPLASIA 8 WITH POLYDACTYLY. Identifiers: Orphanet 93271, MedGen C3809691, MONDO:0014214, OMIM 615503.

Submission:

Labcorp Genetics (formerly Invitae), Labcorp
Classification: Uncertain significance for Short-rib thoracic dysplasia 8 with or without polydactyly. Last evaluated: 2025-02-03. Review status: criteria provided, single submitter. Criteria: Invitae Variant Classification Sherloc (09022015). Collection method: clinical testing. Allele origin: germline.
Comment: This sequence change replaces arginine, which is basic and polar, with glycine, which is neutral and non-polar, at codon 185 of the WDR60 protein (p.Arg185Gly). This variant is not present in population databases (gnomAD no frequency). This variant has not been reported in the literature in individuals affected with WDR60-related conditions. An algorithm developed to predict the effect of missense changes on protein structure and function (PolyPhen-2) suggests that this variant is likely to be disruptive. In summary, the available evidence is currently insufficient to determine the role of this variant in disease. Therefore, it has been classified as a Variant of Uncertain Significance.